The following is an entry in ClinVar:

NM_005120.3(MED12):c.2470C>T (p.Pro824Ser)

Gene: MED12 (mediator complex subunit 12; plus strand). Cytogenetic location: Xq13.1.
Variant type: single nucleotide variant.
Coding change: c.2470C>T on transcript NM_005120.3 (MANE Select); coding-DNA position 2470, C replaced by T.
Protein change: p.Pro824Ser; replaces proline 824 with serine.
Molecular consequence: missense variant.
Genome position (GRCh38, 1-based): chrX:71,126,083, C>T. VCF-style: chrX-71126083-C-T. GRCh37 (hg19) VCF-style: chrX-70345933-C-T.
Other names: short protein forms P824S.
Identifiers: ClinVar variation 2852564 (VCV002852564.3), dbSNP rs2519682086, ClinGen allele CA413515407.

ClinVar aggregate classification (germline): Uncertain significance (1 of 4 stars; one submission).

Conditions:
FG syndrome (FGS). Identifiers: MedGen C0220769, MONDO:0002010.

Allele frequency attached by ClinVar (database versions not stated): gnomAD exomes below 0.00001.
gnomAD v4.1: 1 of 1,211,438 alleles (0.000083%); highest among the groups gnomAD compares: Non-Finnish European, 0.00011%; no homozygotes.

Submission:

Labcorp Genetics (formerly Invitae), Labcorp
Classification: Uncertain significance for FG syndrome. Last evaluated: 2023-04-06. Review status: criteria provided, single submitter. Criteria: Invitae Variant Classification Sherloc (09022015). Collection method: clinical testing. Allele origin: germline.
Comment: This sequence change replaces proline, which is neutral and non-polar, with serine, which is neutral and polar, at codon 824 of the MED12 protein (p.Pro824Ser). This variant is not present in population databases (gnomAD no frequency). This variant has not been reported in the literature in individuals affected with MED12-related conditions. Advanced modeling of protein sequence and biophysical properties (such as structural, functional, and spatial information, amino acid conservation, physicochemical variation, residue mobility, and thermodynamic stability) has been performed at Invitae for this missense variant, however the output from this modeling did not meet the statistical confidence thresholds required to predict the impact of this variant on MED12 protein function. In summary, the available evidence is currently insufficient to determine the role of this variant in disease. Therefore, it has been classified as a Variant of Uncertain Significance.